The following is an entry in ClinVar:

NM_000094.4(COL7A1):c.8818+2T>A

Gene: COL7A1 (collagen type VII alpha 1 chain; minus strand). Cytogenetic location: 3p21.31.
Variant type: single nucleotide variant.
Coding change: c.8818+2T>A on transcript NM_000094.4 (MANE Select); the canonical splice donor site of the intron after coding-DNA position 8818, T replaced by A.
Molecular consequence: splice donor variant.
Genome position (GRCh38, 1-based): chr3:48,564,781, A>T on the plus strand (T>A on the coding strand, the complement: COL7A1 is on the minus strand). VCF-style: chr3-48564781-A-T. GRCh37 (hg19) VCF-style: chr3-48602214-A-T.
Other names: c.8818+2T>A (NM_000094.3).
Identifiers: ClinVar variation 1440366 (VCV001440366.7), dbSNP rs1171778175, ClinGen allele CA352632364.

ClinVar aggregate classification (germline): Conflicting classifications of pathogenicity. Review status: criteria provided, conflicting classifications (1 of 4 stars). 3 submissions from 3 submitters: Likely pathogenic (2); Uncertain significance (1). Last evaluated 2024-07-23.

Conditions:
Epidermolysis bullosa dystrophica. Also called: Dystrophic epidermolysis bullosa; Dystrophic epidermolysis bullosa, Hallopeau-Siemens type (formerly). Identifiers: Orphanet 303, MedGen C0079294, MONDO:0006543.
Epidermolysis bullosa pruriginosa. Also called: DEB, PRURIGINOSA; DYSTROPHIC EPIDERMOLYSIS BULLOSA PRURIGINOSA. Identifiers: Orphanet 89843, MedGen C1275114, MONDO:0011398, OMIM 604129.
Generalized dominant dystrophic epidermolysis bullosa (DDEB). Also called: Dominant DEB (DDEB); DDEB, generalized; DDEB-gen; DYSTROPHIC EPIDERMOLYSIS BULLOSA, AUTOSOMAL DOMINANT; Epidermolysis bullosa dystrophica, autosomal dominant. Identifiers: Orphanet 231568, MedGen C0432322, MONDO:0007549, OMIM 131750.
Recessive dystrophic epidermolysis bullosa (RDEB). Also called: epidermolysis bullosa dystrophica, autosomal recessive; Recessive DEB (RDEB); DYSTROPHIC EPIDERMOLYSIS BULLOSA, AUTOSOMAL RECESSIVE; EPIDERMOLYSIS BULLOSA DYSTROPHICA, HALLOPEAU-SIEMENS TYPE; severe generalized recessive dystrophic epidermolysis bullosa; Epidermolysis Bullosa Distrophica Autosomal Recessive (RDEB). Identifiers: Orphanet 79408, Orphanet 79409, MedGen C0079474, MONDO:0009179, OMIM 226600.
Nonsyndromic congenital nail disorder 8. Also called: TOENAIL DYSTROPHY, ISOLATED. Identifiers: MedGen C1843761, MONDO:0011852, OMIM 607523.
Pretibial dystrophic epidermolysis bullosa. Also called: EPIDERMOLYSIS BULLOSA DYSTROPHICA, PRETIBIAL; Pretibial blistering; Pretibial epidermolysis bullosa. Identifiers: Orphanet 79410, MedGen C0432321, MONDO:0007552, OMIM 131850, HP:0012221.
Dominant dystrophic epidermolysis bullosa with absence of skin. Also called: EPIDERMOLYSIS BULLOSA DYSTROPHICA, BART TYPE; EPIDERMOLYSIS BULLOSA WITH CONGENITAL LOCALIZED ABSENCE OF SKIN AND DEFORMITY OF NAILS. Identifiers: MedGen C0268371, MONDO:0007557, OMIM 132000.
Transient bullous dermolysis of the newborn (TBDN). Also called: EPIDERMOLYSIS BULLOSA DYSTROPHICA, NEONATAL FORM; DYSTROPHIC EPIDERMOLYSIS BULLOSA, NEONATAL. Identifiers: Orphanet 79411, MedGen C1851573, MONDO:0007548, OMIM 131705.

Allele frequency attached by ClinVar (database versions not stated): gnomAD exomes below 0.00001.
gnomAD v4.1: 1 of 1,613,252 alleles (0.000062%); highest among the groups gnomAD compares: Admixed American, 0.0017%; no homozygotes.

Submissions (3):

Natera, Inc.
Classification: Likely pathogenic for Dystrophic epidermolysis bullosa. Last evaluated: 2024-07-23. Review status: criteria provided, single submitter. Criteria: Natera Variant Classification Schema (03/2026). Collection method: clinical testing. Allele origin: germline.
Comment: The c.8818+2T>A variant in COL7A1 is a canonical splice donor site variant predicted to affect pre-mRNA splicing, which may result in an abnormal transcript and altered protein product. This variant is expected to result in nonsense mediated decay, truncation, or a dysfunctional protein product. This variant is rare in the general population with a frequency below the threshold expected for the associated phenotype(s). Given the available evidence, this variant is classified as Likely Pathogenic.

Fulgent Genetics
Classification: Likely pathogenic for Transient bullous dermolysis of the newborn; Generalized dominant dystrophic epidermolysis bullosa; Pretibial dystrophic epidermolysis bullosa; Dominant dystrophic epidermolysis bullosa with absence of skin; Recessive dystrophic epidermolysis bullosa; Epidermolysis bullosa pruriginosa; Nonsyndromic congenital nail disorder 8. Last evaluated: 2024-05-06. Review status: criteria provided, single submitter. Criteria: ACMG Guidelines, 2015. Collection method: clinical testing. Allele origin: germline.

Labcorp Genetics (formerly Invitae), Labcorp
Classification: Uncertain significance. Last evaluated: 2021-07-14. Review status: criteria provided, single submitter. Criteria: Invitae Variant Classification Sherloc (09022015). Collection method: clinical testing. Allele origin: germline.
Comment: This sequence change affects a donor splice site in intron 117 of the COL7A1 gene. While this variant is not anticipated to result in nonsense mediated decay, it likely alters RNA splicing and results in a disrupted protein product. This variant is not present in population databases (ExAC no frequency). This variant has not been reported in the literature in individuals affected with COL7A1-related conditions. Nucleotide substitutions within the consensus splice site are a relatively common cause of aberrant splicing (PMID: 17576681, 9536098). Algorithms developed to predict the effect of sequence changes on RNA splicing suggest that this variant may disrupt the consensus splice site. In summary, the available evidence is currently insufficient to determine the role of this variant in disease. Therefore, it has been classified as a Variant of Uncertain Significance.

Literature cited by the submitters: PubMed 17576681 (cited by Labcorp Genetics (formerly Invitae), Labcorp); PubMed 9536098 (cited by Labcorp Genetics (formerly Invitae), Labcorp).